The following is an entry in ClinVar:

ClinVar aggregate classification (germline): Uncertain significance. Review status: criteria provided, multiple submitters, no conflicts (2 of 4 stars). 4 submissions from 2 submitters: Uncertain significance (4). Last evaluated 2022-10-25.

Conditions:
Meckel-Gruber syndrome. Also called: DYSENCEPHALIA SPLANCHNOCYSTICA; GRUBER SYNDROME; Dysencephalia splachnocystica. Identifiers: Orphanet 564, MedGen C0265215, MONDO:0018921.
Joubert syndrome. Also called: CEREBELLOPARENCHYMAL DISORDER IV; JOUBERT-BOLTSHAUSER SYNDROME; Familial aplasia of the vermis. Identifiers: Orphanet 475, MedGen C5979921, MONDO:0018772.
Nephronophthisis 8. Identifiers: MedGen CN119610.
Meckel syndrome, type 5 (MKS5). Identifiers: Orphanet 564, MedGen C1969052, MONDO:0012695, OMIM 611561.
Joubert syndrome 7 (JBTS7). Identifiers: Orphanet 220497, MedGen C1969053, MONDO:0012694, OMIM 611560.

Allele frequency attached by ClinVar (database versions not stated): gnomAD 0.00001; gnomAD exomes 0.00001 and 0.00002; ExAC 0.00002; TOPMed 0.00002.
gnomAD v4.1: 9 of 1,613,798 alleles (0.00056%); highest among the groups gnomAD compares: Admixed American, 0.0083%; no homozygotes.

Submissions (4):

Labcorp Genetics (formerly Invitae), Labcorp
Classification: Uncertain significance for Joubert syndrome; Meckel-Gruber syndrome. Last evaluated: 2022-10-25. Review status: criteria provided, single submitter. Criteria: Invitae Variant Classification Sherloc (09022015). Collection method: clinical testing. Allele origin: germline.
Comment: This sequence change replaces arginine, which is basic and polar, with cysteine, which is neutral and slightly polar, at codon 56 of the RPGRIP1L protein (p.Arg56Cys). This variant is present in population databases (rs755258407, gnomAD 0.01%). This variant has not been reported in the literature in individuals affected with RPGRIP1L-related conditions. ClinVar contains an entry for this variant (Variation ID: 887977). Advanced modeling of protein sequence and biophysical properties (such as structural, functional, and spatial information, amino acid conservation, physicochemical variation, residue mobility, and thermodynamic stability) performed at Invitae indicates that this missense variant is not expected to disrupt RPGRIP1L protein function. In summary, the available evidence is currently insufficient to determine the role of this variant in disease. Therefore, it has been classified as a Variant of Uncertain Significance.

Illumina Laboratory Services, Illumina
Classification: Uncertain significance for Meckel syndrome, type 5. Last evaluated: 2018-01-13. Review status: criteria provided, single submitter. Criteria: ICSL Variant Classification Criteria 13 December 2019. Collection method: clinical testing. Allele origin: germline.

Illumina Laboratory Services, Illumina
Classification: Uncertain significance for Joubert syndrome 7. Last evaluated: 2018-01-13. Review status: criteria provided, single submitter. Criteria: ICSL Variant Classification Criteria 13 December 2019. Collection method: clinical testing. Allele origin: germline.

Illumina Laboratory Services, Illumina
Classification: Uncertain significance for Nephronophthisis 8. Last evaluated: 2018-01-13. Review status: criteria provided, single submitter. Criteria: ICSL Variant Classification Criteria 13 December 2019. Collection method: clinical testing. Allele origin: germline.

NM_015272.5(RPGRIP1L):c.166C>T (p.Arg56Cys)

Gene: RPGRIP1L (RPGRIP1 like; minus strand). Cytogenetic location: 16q12.2.
Variant type: single nucleotide variant.
Coding change: c.166C>T on transcript NM_015272.5 (MANE Select); coding-DNA position 166, C replaced by T.
Protein change: p.Arg56Cys; replaces arginine 56 with cysteine.
Molecular consequence: missense variant.
Genome position (GRCh38, 1-based): chr16:53,696,215, G>A on the plus strand (C>T on the coding strand, the complement: RPGRIP1L is on the minus strand). VCF-style: chr16-53696215-G-A. GRCh37 (hg19) VCF-style: chr16-53730127-G-A.
Other names: c.166C>T, p.Arg56Cys (NM_001127897.4, NM_001308334.3, NM_001328422.2 and 2 more transcripts); short protein forms R56C.
Identifiers: ClinVar variation 887977 (VCV000887977.9), dbSNP rs755258407, ClinGen allele CA8058199.